The following is an entry in ClinVar:

NM_000271.5(NPC1):c.3820C>T (p.Arg1274Trp)

Gene: NPC1 (NPC intracellular cholesterol transporter 1; minus strand). Cytogenetic location: 18q11.2.
Variant type: single nucleotide variant.
Coding change: c.3820C>T on transcript NM_000271.5 (MANE Select); coding-DNA position 3820, C replaced by T.
Protein change: p.Arg1274Trp; replaces arginine 1274 with tryptophan.
Molecular consequence: missense variant.
Genome position (GRCh38, 1-based): chr18:23,532,219, G>A on the plus strand (C>T on the coding strand, the complement: NPC1 is on the minus strand). VCF-style: chr18-23532219-G-A. GRCh37 (hg19) VCF-style: chr18-21112183-G-A.
Other names: short protein forms R1274W.
Identifiers: ClinVar variation 181460 (VCV000181460.9), dbSNP rs544089597, ClinGen allele CA297018.
Genomic context (GRCh38, chr18:23,532,219, plus strand): 5'-CCGACCCTTAGACACAGTTCAGTCAGGATGCCCTGCGAGAGGGCTAGAAATTTAGAAGCC[G>A]TTCGCGCTCTGTTCCTTTGTATCGCTCTTCAGTGGCACAACTTTTGGCTTTATTTACTGA-3'
Protein context (NP_000262.2, residues 1264-1278): EERYKGTERE[Arg1274Trp]LLNF

ClinVar aggregate classification (germline): Uncertain significance. Review status: criteria provided, multiple submitters, no conflicts (2 of 4 stars). 3 submissions from 3 submitters: Uncertain significance (2). 1 of the submissions does not count toward it. Last evaluated 2024-10-23.

Conditions:
NPC1-related disorder. Also called: NPC1-related condition.
Niemann-Pick disease, type C1. Also called: NEUROVISCERAL STORAGE DISEASE WITH VERTICAL SUPRANUCLEAR OPHTHALMOPLEGIA; NIEMANN-PICK DISEASE WITH CHOLESTEROL ESTERIFICATION BLOCK; NIEMANN-PICK DISEASE WITHOUT SPHINGOMYELINASE DEFICIENCY; NIEMANN-PICK DISEASE, CHRONIC NEURONOPATHIC FORM; NIEMANN-PICK DISEASE, VARIANT TYPE C1. Identifiers: Orphanet 646, MedGen C3179455, MONDO:0009757, OMIM 257220.

Allele frequency attached by ClinVar (database versions not stated): gnomAD 0.00001; TOPMed 0.00001; ExAC 0.00002; gnomAD exomes 0.00003; 1000 Genomes Project 30x 0.00016; 1000 Genomes Project 0.00020.
gnomAD v4.1: 19 of 1,614,148 alleles (0.0012%); highest among the groups gnomAD compares: Middle Eastern, 0.016%; no homozygotes.

Submissions (3):

Labcorp Genetics (formerly Invitae), Labcorp
Classification: Uncertain significance for Niemann-Pick disease, type C1. Last evaluated: 2024-10-23. Review status: criteria provided, single submitter. Criteria: Invitae Variant Classification Sherloc (09022015). Collection method: clinical testing. Allele origin: germline.
Comment: This sequence change replaces arginine, which is basic and polar, with tryptophan, which is neutral and slightly polar, at codon 1274 of the NPC1 protein (p.Arg1274Trp). This variant is present in population databases (rs544089597, gnomAD 0.02%). This missense change has been observed in individual(s) with clinical features of NPC1-related conditions (PMID: 28222799). ClinVar contains an entry for this variant (Variation ID: 181460). Invitae Evidence Modeling of protein sequence and biophysical properties (such as structural, functional, and spatial information, amino acid conservation, physicochemical variation, residue mobility, and thermodynamic stability) indicates that this missense variant is not expected to disrupt NPC1 protein function with a negative predictive value of 95%. In summary, the available evidence is currently insufficient to determine the role of this variant in disease. Therefore, it has been classified as a Variant of Uncertain Significance.

Eurofins Ntd Llc (ga)
Classification: Uncertain significance. Last evaluated: 2018-06-22. Review status: criteria provided, single submitter. Criteria: EGL ClinVar v180209 classification definitions. Collection method: clinical testing. Allele origin: germline. Observed: 2 variant alleles, 2 heterozygotes.

PreventionGenetics, part of Exact Sciences
Classification: Uncertain significance for NPC1-related condition. Last evaluated: 2024-07-08. Review status: no assertion criteria provided. Collection method: clinical testing. Allele origin: germline. Not counted in ClinVar's aggregate classification.
Comment: The NPC1 c.3820C>T variant is predicted to result in the amino acid substitution p.Arg1274Trp. This variant has been observed heterozygous in an individual with NPC1-related conditions but lacking a second variant allele (De Castro-Orós et al. 2007. PubMed ID: 28222799). This variant is reported in 0.017% of alleles in individuals of Latino descent in gnomAD. At this time, the clinical significance of this variant is uncertain due to the absence of conclusive functional and genetic evidence.

Literature cited by the submitters: PubMed 28222799 (cited by Labcorp Genetics (formerly Invitae), Labcorp and Eurofins Ntd Llc (ga)).